The following is an entry in ClinVar:

ClinVar aggregate classification (germline): Uncertain significance (1 of 4 stars; one submission).

Submission:

Labcorp Genetics (formerly Invitae), Labcorp
Classification: Uncertain significance. Last evaluated: 2025-12-24. Review status: criteria provided, single submitter. Criteria: Invitae Variant Classification Sherloc (09022015). Collection method: clinical testing. Allele origin: germline.
Comment: This sequence change replaces alanine, which is neutral and non-polar, with valine, which is neutral and non-polar, at codon 306 of the LIPN protein (p.Ala306Val). This variant is not present in population databases (gnomAD no frequency). This variant has not been reported in the literature in individuals affected with LIPN-related conditions. An algorithm developed to predict the effect of missense changes on protein structure and function (PolyPhen-2) suggests that this variant is likely to be disruptive. In summary, the available evidence is currently insufficient to determine the role of this variant in disease. Therefore, it has been classified as a Variant of Uncertain Significance.

NM_001102469.2(LIPN):c.917C>T (p.Ala306Val)

Gene: LIPN (lipase family member N; plus strand). Cytogenetic location: 10q23.31.
Variant type: single nucleotide variant.
Coding change: c.917C>T on transcript NM_001102469.2 (MANE Select); coding-DNA position 917, C replaced by T.
Protein change: p.Ala306Val; replaces alanine 306 with valine.
Molecular consequence: missense variant.
Genome position (GRCh38, 1-based): chr10:88,775,117, C>T. VCF-style: chr10-88775117-C-T. GRCh37 (hg19) VCF-style: chr10-90534874-C-T.
Other names: short protein forms A306V.
Identifiers: ClinVar variation 4760420 (VCV004760420.1).